The following is an entry in ClinVar:

NM_001267550.2(TTN):c.41434dup (p.Trp13812fs)

Gene: TTN (titin; minus strand). Cytogenetic location: 2q31.2.
Variant type: Duplication.
Coding change: c.41434dup on transcript NM_001267550.2 (MANE Select); coding-DNA position 41434, one base duplicated (T; older notation c.41434dupT).
Protein change: p.Trp13812fs; shifts the reading frame from tryptophan 13812.
Molecular consequence: frameshift variant.
Genome position (GRCh38, 1-based): chr2:178,636,137, A duplicated on the plus strand (T on the coding strand, the reverse complement: TTN is on the minus strand). VCF-style (leftmost placement, unchanged base first): chr2-178636136-C-CA. GRCh37 (hg19) VCF-style: chr2-179500863-C-CA.
Other names: c.36511dup, p.Trp12171fs (NM_001256850.1); c.14239dup, p.Trp4747fs (NM_003319.4); c.33730dup, p.Trp11244fs (NM_133378.4); c.14614dup, p.Trp4872fs (NM_133432.3); c.14815dup, p.Trp4939fs (NM_133437.4); short protein forms W11244fs, W4939fs, W13812fs, W4747fs, W4872fs, W12171fs.
Identifiers: ClinVar variation 936673 (VCV000936673.10), dbSNP rs2060408311, ClinGen allele CA1139657461.

ClinVar aggregate classification (germline): Likely pathogenic (1 of 4 stars; one submission).

Conditions:
Dilated cardiomyopathy 1G (CMD1G). Identifiers: Orphanet 154, MedGen C1858763, MONDO:0011400, OMIM 604145.
Autosomal recessive limb-girdle muscular dystrophy type 2J (LGMDR10). Also called: Limb-girdle muscular dystrophy, type 2J; MUSCULAR DYSTROPHY, LIMB-GIRDLE, AUTOSOMAL RECESSIVE 10. Identifiers: Orphanet 140922, MedGen C1837342, MONDO:0012127, OMIM 608807.

Submission:

Labcorp Genetics (formerly Invitae), Labcorp
Classification: Likely pathogenic for Dilated cardiomyopathy 1G; Autosomal recessive limb-girdle muscular dystrophy type 2J. Last evaluated: 2024-12-08. Review status: criteria provided, single submitter. Criteria: Invitae Variant Classification Sherloc (09022015). Collection method: clinical testing. Allele origin: germline.
Comment: This sequence change creates a premature translational stop signal (p.Trp13812Leufs*33) in the TTN gene. While this is not anticipated to result in nonsense mediated decay, it is expected to create a truncated TTN protein. This variant is not present in population databases (gnomAD no frequency). This variant has not been reported in the literature in individuals affected with TTN-related conditions. ClinVar contains an entry for this variant (Variation ID: 936673). This variant is located in the I band of TTN (PMID: 25589632). Truncating variants in this region have been reported in individuals affected with autosomal recessive centronuclear myopathy (PMID: 23975875, internal data). Truncating variants in this region have also been identified in individuals affected with autosomal dominant dilated cardiomyopathy and/or cardio-related conditions (PMID: 27869827, 32964742, internal data). In summary, the currently available evidence indicates that the variant is pathogenic, but additional data are needed to prove that conclusively. Therefore, this variant has been classified as Likely Pathogenic.

Literature cited by the submitters: PubMed 25589632; PubMed 23975875; PubMed 27869827; PubMed 32964742.